The following is an entry in ClinVar:

ClinVar aggregate classification (germline): Uncertain significance (1 of 4 stars; one submission).

Submission:

GeneDx
Classification: Uncertain significance. Last evaluated: 2025-06-16. Review status: criteria provided, single submitter. Criteria: GeneDx Variant Classification Process June 2021. Collection method: clinical testing. Allele origin: germline. Affected: yes.
Comment: Not observed at significant frequency in large population cohorts (gnomAD); In silico analysis suggests that this missense variant does not alter protein structure/function; Has not been previously published as pathogenic or benign to our knowledge

NM_001242896.3(DEPDC5):c.3500T>G (p.Val1167Gly)

Gene: DEPDC5 (DEP domain containing 5, GATOR1 subcomplex subunit; plus strand). Cytogenetic location: 22q12.3.
Variant type: single nucleotide variant.
Coding change: c.3500T>G on transcript NM_001242896.3 (MANE Select); coding-DNA position 3500, T replaced by G.
Protein change: p.Val1167Gly; replaces valine 1167 with glycine.
Molecular consequence: missense variant. On other transcripts: non-coding transcript variant (4).
Genome position (GRCh38, 1-based): chr22:31,873,269, T>G. VCF-style: chr22-31873269-T-G. GRCh37 (hg19) VCF-style: chr22-32269255-T-G.
Other names: c.3407T>G, p.Val1136Gly (NM_001369903.1, NM_014662.6); c.3473T>G, p.Val1158Gly (NM_001136029.4); c.3200T>G, p.Val1067Gly (NM_001242897.2); c.3434T>G, p.Val1145Gly (NM_001363852.2, NM_001364320.2); c.3266T>G, p.Val1089Gly (NM_001363854.2, NM_001364319.2); c.3500T>G, p.Val1167Gly (NM_001364318.2); c.3416T>G, p.Val1139Gly (NM_001369901.1, NM_001369902.1); short protein forms V1067G, V1089G, V1136G, V1139G, V1145G, V1158G, V1167G.
Identifiers: ClinVar variation 4538844 (VCV004538844.1).